The following is an entry in ClinVar:

ClinVar aggregate classification (germline): Uncertain significance (1 of 4 stars; one submission).

Allele frequency attached by ClinVar (database versions not stated): gnomAD exomes 0.00001; ExAC 0.00002.
gnomAD v4.1: 4 of 1,610,988 alleles (0.00025%); highest among the groups gnomAD compares: Admixed American, 0.0017%; no homozygotes.

Submission:

Labcorp Genetics (formerly Invitae), Labcorp
Classification: Uncertain significance. Last evaluated: 2021-01-25. Review status: criteria provided, single submitter. Criteria: Invitae Variant Classification Sherloc (09022015). Collection method: clinical testing. Allele origin: germline.
Comment: In summary, the available evidence is currently insufficient to determine the role of this variant in disease. Therefore, it has been classified as a Variant of Uncertain Significance. Algorithms developed to predict the effect of missense changes on protein structure and function (SIFT, PolyPhen-2, Align-GVGD) all suggest that this variant is likely to be tolerated, but these predictions have not been confirmed by published functional studies and their clinical significance is uncertain. This sequence change replaces alanine with threonine at codon 265 of the FGFR3 protein (p.Ala265Thr). The alanine residue is weakly conserved and there is a small physicochemical difference between alanine and threonine. This variant is present in population databases (rs151254213, ExAC 0.003%). This variant has not been reported in the literature in individuals with FGFR3-related conditions.

NM_000142.5(FGFR3):c.793G>A (p.Ala265Thr)

Gene: FGFR3 (fibroblast growth factor receptor 3; plus strand). Cytogenetic location: 4p16.3.
Variant type: single nucleotide variant.
Coding change: c.793G>A on transcript NM_000142.5 (MANE Select); coding-DNA position 793, G replaced by A.
Protein change: p.Ala265Thr; replaces alanine 265 with threonine.
Molecular consequence: missense variant. On other transcripts: non-coding transcript variant (1).
Genome position (GRCh38, 1-based): chr4:1,801,888, G>A. VCF-style: chr4-1801888-G-A. GRCh37 (hg19) VCF-style: chr4-1803615-G-A.
Other names: c.793G>A, p.Ala265Thr (NM_001163213.2, NM_001354809.2, NM_001354810.2 and 1 more transcripts); short protein forms A265T.
Identifiers: ClinVar variation 1680031 (VCV001680031.8), dbSNP rs151254213, ClinGen allele CA2809982.
Genomic context (GRCh38, chr4:1,801,888, plus strand): 5'-CCCACAGAGCGCTCCCCGCACCGGCCCATCCTGCAGGCGGGGCTGCCGGCCAACCAGACG[G>A]CGGTGCTGGGCAGCGACGTGGAGTTCCACTGCAAGGTGTACAGTGACGCACAGCCCCACA-3'
Protein context (NP_000133.1, residues 255-275): LQAGLPANQT[Ala265Thr]VLGSDVEFHC